The following is an entry in ClinVar:

ClinVar aggregate classification (germline): Uncertain significance (1 of 4 stars; one submission).

Allele frequency attached by ClinVar (database versions not stated): gnomAD exomes below 0.00001.

Submission:

Labcorp Genetics (formerly Invitae), Labcorp
Classification: Uncertain significance. Last evaluated: 2024-01-01. Review status: criteria provided, single submitter. Criteria: Invitae Variant Classification Sherloc (09022015). Collection method: clinical testing. Allele origin: germline.
Comment: This sequence change replaces methionine, which is neutral and non-polar, with isoleucine, which is neutral and non-polar, at codon 216 of the GPR45 protein (p.Met216Ile). This variant is not present in population databases (gnomAD no frequency). This variant has not been reported in the literature in individuals affected with GPR45-related conditions. An algorithm developed to predict the effect of missense changes on protein structure and function (PolyPhen-2) suggests that this variant is likely to be tolerated. In summary, the available evidence is currently insufficient to determine the role of this variant in disease. Therefore, it has been classified as a Variant of Uncertain Significance.

NM_007227.3(GPR45):c.648G>A (p.Met216Ile)

Gene: GPR45 (G protein-coupled receptor 45; plus strand). Cytogenetic location: 2q12.1.
Variant type: single nucleotide variant.
Coding change: c.648G>A on transcript NM_007227.3 (MANE Select); coding-DNA position 648, G replaced by A.
Protein change: p.Met216Ile; replaces methionine 216 with isoleucine.
Molecular consequence: missense variant.
Genome position (GRCh38, 1-based): chr2:105,242,506, G>A. VCF-style: chr2-105242506-G-A. GRCh37 (hg19) VCF-style: chr2-105858963-G-A.
Other names: short protein forms M216I.
Identifiers: ClinVar variation 2706909 (VCV002706909.3), dbSNP rs2466838533, ClinGen allele CA348100901.